The following is an entry in ClinVar:

ClinVar aggregate classification (germline): Uncertain significance (1 of 4 stars; one submission).

Conditions:
Hereditary cancer-predisposing syndrome. Also called: Neoplastic Syndromes, Hereditary; Hereditary Cancer Syndrome; Tumor predisposition; Hereditary neoplastic syndrome. Identifiers: Orphanet 140162, MedGen C0027672, MeSH D009386, MONDO:0015356.

Submission:

Ambry Genetics
Classification: Uncertain significance for Hereditary cancer-predisposing syndrome. Last evaluated: 2024-12-13. Review status: criteria provided, single submitter. Criteria: Ambry Variant Classification Scheme 2023. Collection method: clinical testing. Allele origin: germline.
Comment: The c.3286_3291delTCCAGC variant (also known as p.S1096_S1097del) is located in coding exon 28 of the TSC2 gene. This variant results from an in-frame TCCAGC deletion at nucleotide positions 3286 to 3291. This results in the in-frame deletion of 2 amino acids (SS) at codons 1096 and 1097. These amino acid positions are not well conserved in available vertebrate species. In addition, the in silico prediction for this alteration is inconclusive (Choi Y et al. PLoS ONE. 2012; 7(10):e46688). Since supporting evidence is limited at this time, the clinical significance of this alteration remains unclear.

NM_000548.3:c.3286_3291delTCCAGC

Gene: TSC2 (TSC complex subunit 2; plus strand).
Variant type: Deletion.
Identifiers: ClinVar variation 3811295 (VCV003811295.1).